The following is an entry in ClinVar:

NM_054012.4(ASS1):c.421-19C>T

Gene: ASS1 (argininosuccinate synthase 1; plus strand). Cytogenetic location: 9q34.11.
Variant type: single nucleotide variant.
Coding change: c.421-19C>T on transcript NM_054012.4 (MANE Select); 19 bases into the intron before coding-DNA position 421, C replaced by T.
Molecular consequence: intron variant.
Genome position (GRCh38, 1-based): chr9:130,466,706, C>T. VCF-style: chr9-130466706-C-T. GRCh37 (hg19) VCF-style: chr9-133342093-C-T.
Other names: c.421-19C>T (NM_000050.4).
Identifiers: ClinVar variation 516782 (VCV000516782.10), dbSNP rs138744326, ClinGen allele CA5283285.

ClinVar aggregate classification (germline): Benign. Review status: criteria provided, multiple submitters, no conflicts (2 of 4 stars). 2 submissions from 2 submitters: Benign (2). Last evaluated 2026-01-31.

Conditions:
Citrullinemia. Identifiers: Orphanet 187, MedGen C0175683, MONDO:0015991.

Allele frequency attached by ClinVar (database versions not stated): gnomAD exomes 0.00186; ExAC 0.00224; gnomAD 0.00673 and 0.00736; ESP Exome Variant Server 0.00700; 1000 Genomes Project 0.00719; 1000 Genomes Project 30x 0.00781; TOPMed 0.00787.
gnomAD v4.1: 2,061 of 1,612,950 alleles (0.13%); highest among the groups gnomAD compares: African/African-American, 2.4%; 30 homozygotes.

Submissions (2):

Labcorp Genetics (formerly Invitae), Labcorp
Classification: Benign for Citrullinemia. Last evaluated: 2026-01-31. Review status: criteria provided, single submitter. Criteria: Invitae Variant Classification Sherloc (09022015). Collection method: clinical testing. Allele origin: germline.

GeneDx
Classification: Benign. Last evaluated: 2017-01-26. Review status: criteria provided, single submitter. Criteria: GeneDx Variant Classification (06012015). Collection method: clinical testing. Allele origin: germline. Affected: yes.
Comment: This variant is considered likely benign or benign based on one or more of the following criteria: it is a conservative change, it occurs at a poorly conserved position in the protein, it is predicted to be benign by multiple in silico algorithms, and/or has population frequency not consistent with disease.